The following is an entry in ClinVar:

NM_000284.4(PDHA1):c.1114G>A (p.Asp372Asn)

Gene: PDHA1 (pyruvate dehydrogenase E1 subunit alpha 1; plus strand). Cytogenetic location: Xp22.12.
Variant type: single nucleotide variant.
Coding change: c.1114G>A on transcript NM_000284.4 (MANE Select); coding-DNA position 1114, G replaced by A.
Protein change: p.Asp372Asn; replaces aspartic acid 372 with asparagine.
Molecular consequence: missense variant.
Genome position (GRCh38, 1-based): chrX:19,359,594, G>A. VCF-style: chrX-19359594-G-A. GRCh37 (hg19) VCF-style: chrX-19377712-G-A.
Other names: c.1228G>A, p.Asp410Asn (NM_001173454.2); c.1135G>A, p.Asp379Asn (NM_001173455.2); c.1021G>A, p.Asp341Asn (NM_001173456.2); short protein forms D372N, D341N, D379N, D410N.
Identifiers: ClinVar variation 731956 (VCV000731956.49), dbSNP rs199879809, ClinGen allele CA10363214.

ClinVar aggregate classification (germline): Benign/Likely benign. Review status: criteria provided, multiple submitters, no conflicts (2 of 4 stars). 8 submissions from 8 submitters: Benign (1); Likely benign (4). 3 of the submissions do not count toward it. Last evaluated 2026-09-01.

Conditions:
Pyruvate dehydrogenase E1-alpha deficiency (PDHAD). Also called: ATAXIA, INTERMITTENT, WITH PYRUVATE DEHYDROGENASE DEFICIENCY; ATAXIA WITH LACTIC ACIDOSIS I; ATAXIA, INTERMITTENT, WITH ABNORMAL PYRUVATE METABOLISM; Ataxia, intermittent, with pyruvate dehydrogenase, or decarboxylase, deficiency. Identifiers: Orphanet 79243, MedGen C1839413, MONDO:0010717, OMIM 312170.
Inborn genetic diseases. Identifiers: MedGen C0950123, MeSH D030342.
Pyruvate dehydrogenase complex deficiency (PDHC). Also called: PDH DEFICIENCY; Pyruvate Dehydrogenase Complex Deficiency Disease; Pyruvate dehydrogenase deficiency; Ataxia with lactic acidosis 1; PYRUVATE DECARBOXYLASE DEFICIENCY. Identifiers: Orphanet 765, Orphanet 79243, MedGen C0034345, MONDO:0019169.

Allele frequency attached by ClinVar (database versions not stated): 1000 Genomes Project below 0.00001; ESP Exome Variant Server 0.00009; gnomAD 0.00009 and 0.00010; TOPMed 0.00010; gnomAD exomes 0.00011 and 0.00013; ExAC 0.00014.

Submissions (8):

CeGaT Center for Human Genetics Tuebingen
Classification: Likely benign. Last evaluated: 2026-09-01. Review status: criteria provided, single submitter. Criteria: CeGaT Center For Human Genetics Tuebingen Variant Classification Criteria Version 2. Collection method: clinical testing. Allele origin: germline. Affected: yes. Observed: 2 variant alleles.
Comment: PDHA1: BS2

Labcorp Genetics (formerly Invitae), Labcorp
Classification: Benign for Pyruvate dehydrogenase E1-alpha deficiency. Last evaluated: 2026-01-19. Review status: criteria provided, single submitter. Criteria: Invitae Variant Classification Sherloc (09022015). Collection method: clinical testing. Allele origin: germline.

Blueprint Genetics
Classification: Likely benign. Last evaluated: 2024-10-02. Review status: criteria provided, single submitter. Criteria: ACMG Guidelines, 2015. Collection method: clinical testing. Allele origin: germline.

Ambry Genetics
Classification: Likely benign for Inborn genetic diseases. Last evaluated: 2018-11-17. Review status: criteria provided, single submitter. Criteria: Ambry Variant Classification Scheme 2023. Collection method: clinical testing. Allele origin: germline.

Breakthrough Genomics
Classification: Likely benign. Review status: criteria provided, single submitter. Criteria: ACMG Guidelines, 2015. Collection method: not provided. Allele origin: germline. Inheritance: X-linked inheritance. Affected: yes.

Natera, Inc.
Classification: Likely benign for Pyruvate decarboxylase deficiency. Last evaluated: 2020-06-09. Review status: no assertion criteria provided. Collection method: clinical testing. Allele origin: germline. Not counted in ClinVar's aggregate classification.

Clinical Genetics DNA and cytogenetics Diagnostics Lab, Erasmus MC, Erasmus Medical Center
Classification: Likely benign. Review status: no assertion criteria provided. Collection method: clinical testing. Allele origin: germline. Affected: yes. Study: VKGL Data-share Consensus. Not counted in ClinVar's aggregate classification.

Laboratory of Diagnostic Genome Analysis, Leiden University Medical Center (LUMC)
Classification: Likely benign. Review status: no assertion criteria provided. Collection method: clinical testing. Allele origin: germline. Affected: yes. Study: VKGL Data-share Consensus. Not counted in ClinVar's aggregate classification.